The following is an entry in ClinVar:

ClinVar aggregate classification (germline): Uncertain significance (1 of 4 stars; one submission).

Submission:

Labcorp Genetics (formerly Invitae), Labcorp
Classification: Uncertain significance. Last evaluated: 2023-12-14. Review status: criteria provided, single submitter. Criteria: Invitae Variant Classification Sherloc (09022015). Collection method: clinical testing. Allele origin: germline.
Comment: This sequence change replaces isoleucine, which is neutral and non-polar, with asparagine, which is neutral and polar, at codon 653 of the CACNA1E protein (p.Ile653Asn). This variant is not present in population databases (gnomAD no frequency). This variant has not been reported in the literature in individuals affected with CACNA1E-related conditions. An algorithm developed to predict the effect of missense changes on protein structure and function (PolyPhen-2) suggests that this variant is likely to be disruptive. In summary, the available evidence is currently insufficient to determine the role of this variant in disease. Therefore, it has been classified as a Variant of Uncertain Significance.

NM_001205293.3(CACNA1E):c.1958T>A (p.Ile653Asn)

Gene: CACNA1E (calcium voltage-gated channel subunit alpha1 E; plus strand). Cytogenetic location: 1q25.3.
Variant type: single nucleotide variant.
Coding change: c.1958T>A on transcript NM_001205293.3 (MANE Select); coding-DNA position 1958, T replaced by A.
Protein change: p.Ile653Asn; replaces isoleucine 653 with asparagine.
Molecular consequence: missense variant.
Genome position (GRCh38, 1-based): chr1:181,721,759, T>A. VCF-style: chr1-181721759-T-A. GRCh37 (hg19) VCF-style: chr1-181690895-T-A.
Other names: c.1958T>A, p.Ile653Asn (NM_000721.4, NM_001205294.2); short protein forms I653N.
Identifiers: ClinVar variation 2703069 (VCV002703069.3), dbSNP rs2528566301, ClinGen allele CA343627373.